The following is an entry in ClinVar:

NM_138967.4(SCAMP5):c.284A>G (p.Lys95Arg)

Gene: SCAMP5 (secretory carrier membrane protein 5; plus strand). Cytogenetic location: 15q24.2.
Variant type: single nucleotide variant.
Coding change: c.284A>G on transcript NM_138967.4 (MANE Select); coding-DNA position 284, A replaced by G.
Protein change: p.Lys95Arg; replaces lysine 95 with arginine.
Molecular consequence: missense variant.
Genome position (GRCh38, 1-based): chr15:75,016,740, A>G. VCF-style: chr15-75016740-A-G. GRCh37 (hg19) VCF-style: chr15-75309081-A-G.
Other names: c.284A>G, p.Lys95Arg (NM_001178111.2, NM_001178112.2); short protein forms K95R.
Identifiers: ClinVar variation 4056987 (VCV004056987.2).

ClinVar aggregate classification (germline): Uncertain significance (1 of 4 stars; one submission).

Submission:

GeneDx
Classification: Uncertain significance. Last evaluated: 2026-10-02. Review status: criteria provided, single submitter. Criteria: GeneDx Variant Classification Process June 2021. Collection method: clinical testing. Allele origin: germline.
Comment: Not observed at significant frequency in large population cohorts (gnomAD); In silico analysis supports that this missense variant has a deleterious effect on protein structure/function; Has not been previously published as pathogenic or benign to our knowledge